The following is an entry in ClinVar:

ClinVar aggregate classification (germline): Uncertain significance (1 of 4 stars; one submission).

Conditions:
Baller-Gerold syndrome (BGS). Also called: CRANIOSYNOSTOSIS WITH RADIAL DEFECTS. Identifiers: Orphanet 1225, MedGen C0265308, MONDO:0009039, OMIM 218600.

Allele frequency attached by ClinVar (database versions not stated): TOPMed 0.00001; gnomAD 0.00002.

Submission:

Labcorp Genetics (formerly Invitae), Labcorp
Classification: Uncertain significance for Baller-Gerold syndrome. Last evaluated: 2025-10-13. Review status: criteria provided, single submitter. Criteria: Invitae Variant Classification Sherloc (09022015). Collection method: clinical testing. Allele origin: germline.
Comment: This sequence change affects the initiator codon of the RECQL4 mRNA. This change may impact translation initiation or efficiency. The next in-frame methionine is located at codon 358. This variant is not present in population databases (gnomAD no frequency). Disruption of the initiator codon has been observed in individual(s) with congenital limb malformations (PMID: 31502745). ClinVar contains an entry for this variant (Variation ID: 1371662). Experimental studies and prediction algorithms are not available or were not evaluated, and the functional significance of this variant is currently unknown. In summary, the available evidence is currently insufficient to determine the role of this variant in disease. Therefore, it has been classified as a Variant of Uncertain Significance.

Literature cited by the submitters: PubMed 31502745.

NM_004260.4(RECQL4):c.2T>G (p.Met1Arg)

Genes: RECQL4 (RecQ like helicase 4; minus strand), LOC130001411 (ATAC-STARR-seq lymphoblastoid silent region 19699; plus strand). Cytogenetic location: 8q24.3.
Variant type: single nucleotide variant.
Coding change: c.2T>G on transcript NM_004260.4 (MANE Select); coding-DNA position 2, T replaced by G.
Protein change: p.Met1Arg; changes the start codon (methionine 1).
Molecular consequence: missense variant, initiator codon variant.
Genome position (GRCh38, 1-based): chr8:144,517,783, A>C on the plus strand (T>G on the coding strand, the complement: RECQL4 is on the minus strand). VCF-style: chr8-144517783-A-C. GRCh37 (hg19) VCF-style: chr8-145743167-A-C.
Other names: short protein forms M1R.
Identifiers: ClinVar variation 1371662 (VCV001371662.5), dbSNP rs1815451689, ClinGen allele CA372694050.